The following is an entry in ClinVar:

NM_024105.4(ALG12):c.821G>A (p.Cys274Tyr)

Gene: ALG12 (ALG12 alpha-1,6-mannosyltransferase; minus strand). Cytogenetic location: 22q13.33.
Variant type: single nucleotide variant.
Coding change: c.821G>A on transcript NM_024105.4 (MANE Select); coding-DNA position 821, G replaced by A.
Protein change: p.Cys274Tyr; replaces cysteine 274 with tyrosine.
Molecular consequence: missense variant.
Genome position (GRCh38, 1-based): chr22:49,907,892, C>T on the plus strand (G>A on the coding strand, the complement: ALG12 is on the minus strand). VCF-style: chr22-49907892-C-T. GRCh37 (hg19) VCF-style: chr22-50301540-C-T.
Other names: short protein forms C274Y.
Identifiers: ClinVar variation 2198905 (VCV002198905.2), dbSNP rs2060552425, ClinGen allele CA412073823.

ClinVar aggregate classification (germline): Uncertain significance. Review status: criteria provided, multiple submitters, no conflicts (2 of 4 stars). 2 submissions from 2 submitters: Uncertain significance (2). Last evaluated 2022-09-01.

Conditions:
ALG12-congenital disorder of glycosylation (CDG1G). Also called: CDG Ig; ALG12-CDG; Congenital disorder of glycosylation, type Ig. Identifiers: Orphanet 79324, MedGen C2931001, MONDO:0011783, OMIM 607143.

Allele frequency attached by ClinVar (database versions not stated): gnomAD exomes below 0.00001; TOPMed below 0.00001.
gnomAD v4.1: 3 of 1,613,730 alleles (0.00019%); highest among the groups gnomAD compares: East Asian, 0.0022%; no homozygotes.

Submissions (2):

Labcorp Genetics (formerly Invitae), Labcorp
Classification: Uncertain significance for ALG12-congenital disorder of glycosylation. Last evaluated: 2022-09-01. Review status: criteria provided, single submitter. Criteria: Invitae Variant Classification Sherloc (09022015). Collection method: clinical testing. Allele origin: germline.
Comment: This sequence change replaces cysteine, which is neutral and slightly polar, with tyrosine, which is neutral and polar, at codon 274 of the ALG12 protein (p.Cys274Tyr). This variant is not present in population databases (gnomAD no frequency). This variant has not been reported in the literature in individuals affected with ALG12-related conditions. Algorithms developed to predict the effect of missense changes on protein structure and function are either unavailable or do not agree on the potential impact of this missense change (SIFT: "Tolerated"; PolyPhen-2: "Possibly Damaging"; Align-GVGD: "Class C0"). In summary, the available evidence is currently insufficient to determine the role of this variant in disease. Therefore, it has been classified as a Variant of Uncertain Significance.

Blueprint Genetics
Classification: Uncertain significance. Last evaluated: 2021-06-17. Review status: criteria provided, single submitter. Criteria: ACMG Guidelines, 2015. Collection method: clinical testing. Allele origin: germline.